The following is an entry in ClinVar:

NM_001122752.2(SERPINI1):c.77T>C (p.Ile26Thr)

Gene: SERPINI1 (serpin family I member 1; plus strand). Cytogenetic location: 3q26.1.
Variant type: single nucleotide variant.
Coding change: c.77T>C on transcript NM_001122752.2 (MANE Select); coding-DNA position 77, T replaced by C.
Protein change: p.Ile26Thr; replaces isoleucine 26 with threonine.
Molecular consequence: missense variant.
Genome position (GRCh38, 1-based): chr3:167,789,205, T>C. VCF-style: chr3-167789205-T-C. GRCh37 (hg19) VCF-style: chr3-167506993-T-C.
Other names: p.Ile26Thr; c.77T>C, p.Ile26Thr (NM_005025.5); short protein forms I26T.
Identifiers: ClinVar variation 235396 (VCV000235396.20), dbSNP rs146948408, ClinGen allele CA2694730.

ClinVar aggregate classification (germline): Benign. Review status: criteria provided, multiple submitters, no conflicts (2 of 4 stars). 7 submissions from 7 submitters: Benign (6). 1 of the submissions does not count toward it. Last evaluated 2026-02-03.

Conditions:
SERPINI1-related disorder. Also called: SERPINI1-related condition.
Familial encephalopathy with neuroserpin inclusion bodies. Also called: ENCEPHALOPATHY, FAMILIAL, WITH COLLINS BODIES. Identifiers: Orphanet 85110, MedGen C1858680, MONDO:0011412, OMIM 604218.

Allele frequency attached by ClinVar (database versions not stated): ESP Exome Variant Server 0.00015; gnomAD exomes 0.00105 and 0.00422; gnomAD 0.00142 and 0.00163; TOPMed 0.00300; ExAC 0.00318; 1000 Genomes Project 30x 0.00562; 1000 Genomes Project 0.00619.
gnomAD v4.1: 1,835 of 1,614,208 alleles (0.11%); highest among the groups gnomAD compares: Admixed American, 1.6%; 20 homozygotes.

Submissions (7):

Labcorp Genetics (formerly Invitae), Labcorp
Classification: Benign for Familial encephalopathy with neuroserpin inclusion bodies. Last evaluated: 2026-02-03. Review status: criteria provided, single submitter. Criteria: Invitae Variant Classification Sherloc (09022015). Collection method: clinical testing. Allele origin: germline.

Athena Diagnostics
Classification: Benign. Last evaluated: 2024-11-27. Review status: criteria provided, single submitter. Criteria: Athena Diagnostics Criteria. Collection method: clinical testing. Allele origin: unknown.

Mayo Clinic Laboratories, Mayo Clinic
Classification: Benign. Last evaluated: 2021-06-29. Review status: criteria provided, single submitter. Criteria: ACMG Guidelines, 2015. Collection method: clinical testing. Allele origin: germline. Observed: 6 variant alleles.

Illumina Laboratory Services, Illumina
Classification: Benign for Familial encephalopathy with neuroserpin inclusion bodies. Last evaluated: 2018-01-13. Review status: criteria provided, single submitter. Criteria: ICSL Variant Classification Criteria 13 December 2019. Collection method: clinical testing. Allele origin: germline.
Comment: This variant was observed in the ICSL laboratory as part of a predisposition screen in an ostensibly healthy population. It had not been previously curated by ICSL or reported in the Human Gene Mutation Database (HGMD: prior to June 1st, 2018), and was therefore a candidate for classification through an automated scoring system. Utilizing variant allele frequency, disease prevalence and penetrance estimates, and inheritance mode, an automated score was calculated to assess if this variant is too frequent to cause the disease. Based on the score and internal cut-off values, a variant classified as benign is not then subjected to further curation. The score for this variant resulted in a classification of benign for this disease.

Center for Pediatric Genomic Medicine, Children's Mercy Hospital and Clinics
Classification: Benign. Last evaluated: 2016-01-13. Review status: criteria provided, single submitter. Criteria: ACMG Guidelines, 2015. Collection method: clinical testing. Allele origin: germline.

Breakthrough Genomics
Classification: Benign. Review status: criteria provided, single submitter. Criteria: ACMG Guidelines, 2015. Collection method: not provided. Allele origin: germline. Inheritance: Autosomal dominant inheritance. Affected: yes.

PreventionGenetics, part of Exact Sciences
Classification: Benign for SERPINI1-related condition. Last evaluated: 2024-05-23. Review status: no assertion criteria provided. Collection method: clinical testing. Allele origin: germline. Not counted in ClinVar's aggregate classification.
Comment: This variant is classified as benign based on ACMG/AMP sequence variant interpretation guidelines (Richards et al. 2015 PMID: 25741868, with internal and published modifications).